The following is an entry in ClinVar:

NM_018192.4(P3H2):c.1248C>G (p.Asn416Lys)

Gene: P3H2 (prolyl 3-hydroxylase 2; minus strand). Cytogenetic location: 3q28.
Variant type: single nucleotide variant.
Coding change: c.1248C>G on transcript NM_018192.4 (MANE Select); coding-DNA position 1248, C replaced by G.
Protein change: p.Asn416Lys; replaces asparagine 416 with lysine.
Molecular consequence: missense variant.
Genome position (GRCh38, 1-based): chr3:189,983,122, G>C on the plus strand (C>G on the coding strand, the complement: P3H2 is on the minus strand). VCF-style: chr3-189983122-G-C. GRCh37 (hg19) VCF-style: chr3-189700911-G-C.
Other names: c.705C>G, p.Asn235Lys (NM_001134418.2); short protein forms N235K, N416K.
Identifiers: ClinVar variation 1360740 (VCV001360740.8), dbSNP rs374730144, ClinGen allele CA355756358.
Genomic context (GRCh38, chr3:189,983,122, plus strand): 5'-ATCTATCTTGGGTGATAGCTTTTTTCCCATTGAGAATCCATGAACTTCTGCTCCCTCTAC[G>C]TTCACTCCTGAAGGGACCCTGCCCATTCAAAAAATTTAAAATGGCAATTTGTCATTGAAT-3'
Protein context (NP_060662.2, residues 406-426): QDENRVPSGV[Asn416Lys]VEGAEVHGFS

ClinVar aggregate classification (germline): Uncertain significance (1 of 4 stars; one submission).

Submission:

Labcorp Genetics (formerly Invitae), Labcorp
Classification: Uncertain significance. Last evaluated: 2021-06-13. Review status: criteria provided, single submitter. Criteria: Invitae Variant Classification Sherloc (09022015). Collection method: clinical testing. Allele origin: germline.
Comment: This sequence change replaces asparagine with lysine at codon 416 of the P3H2 protein (p.Asn416Lys). The asparagine residue is moderately conserved and there is a moderate physicochemical difference between asparagine and lysine. This variant is not present in population databases (ExAC no frequency). This variant has not been reported in the literature in individuals with P3H2-related conditions. Algorithms developed to predict the effect of missense changes on protein structure and function are either unavailable or do not agree on the potential impact of this missense change (SIFT: "Deleterious"; PolyPhen-2: "Benign"; Align-GVGD: "Class C0"). In summary, the available evidence is currently insufficient to determine the role of this variant in disease. Therefore, it has been classified as a Variant of Uncertain Significance.